The following is an entry in ClinVar:

ClinVar aggregate classification (germline): Uncertain significance. Review status: criteria provided, multiple submitters, no conflicts (2 of 4 stars). 3 submissions from 3 submitters: Uncertain significance (3). Last evaluated 2024-10-09.

Conditions:
Cardiovascular phenotype. Identifiers: MedGen CN230736.

Allele frequency attached by ClinVar (database versions not stated): gnomAD exomes below 0.00001; TOPMed below 0.00001; gnomAD 0.00001.
gnomAD v4.1: 5 of 1,613,972 alleles (0.00031%); highest among the groups gnomAD compares: African/African-American, 0.0013%; no homozygotes.

Submissions (3):

Ambry Genetics
Classification: Uncertain significance for Cardiovascular phenotype. Last evaluated: 2024-10-09. Review status: criteria provided, single submitter. Criteria: Ambry Variant Classification Scheme 2023. Collection method: clinical testing. Allele origin: germline.
Comment: The p.A566T variant (also known as c.1696G>A), located in coding exon 9 of the JUP gene, results from a G to A substitution at nucleotide position 1696. The alanine at codon 566 is replaced by threonine, an amino acid with similar properties. This variant has been reported in an individual who underwent genetic testing for arrhythmogenic cardiomyopathy, but clinical details were limited (Murphy J et al. Ir J Med Sci, 2024 Aug;193:1775-1785). This amino acid position is highly conserved in available vertebrate species. In addition, the in silico prediction for this alteration is inconclusive. Based on the available evidence, the clinical significance of this variant remains unclear.

GeneDx
Classification: Uncertain significance. Last evaluated: 2023-02-28. Review status: criteria provided, single submitter. Criteria: GeneDx Variant Classification Process June 2021. Collection method: clinical testing. Allele origin: germline. Affected: yes.
Comment: Has not been previously published as pathogenic or benign to our knowledge; Not observed at significant frequency in large population cohorts (gnomAD); In silico analysis supports that this missense variant does not alter protein structure/function

Laboratory for Molecular Medicine, Mass General Brigham Personalized Medicine
Classification: Uncertain significance. Last evaluated: 2013-08-16. Review status: criteria provided, single submitter. Criteria: LMM Criteria. Collection method: clinical testing. Allele origin: germline. Observed: 1 variant allele.
Comment: The Ala566Thr variant in JUP has not been reported in individuals with cardiomyo pathy or in large population studies. The affected amino acid is conserved in ev olution, suggesting that a change would not be tolerated. Other computational an alyses (biochemical amino acid properties, AlignGVGD, PolyPhen2, and SIFT) do no t provide strong support for or against an impact to the protein. Additional inf ormation is needed to fully assess the clinical significance of the Ala566Thr va riant.

Literature cited by the submitters: PubMed 38489124 (cited by Ambry Genetics).

NM_002230.4(JUP):c.1696G>A (p.Ala566Thr)

Gene: JUP (junction plakoglobin; minus strand). Cytogenetic location: 17q21.2.
Variant type: single nucleotide variant.
Coding change: c.1696G>A on transcript NM_002230.4 (MANE Select); coding-DNA position 1696, G replaced by A.
Protein change: p.Ala566Thr; replaces alanine 566 with threonine.
Molecular consequence: missense variant.
Genome position (GRCh38, 1-based): chr17:41,758,476, C>T on the plus strand (G>A on the coding strand, the complement: JUP is on the minus strand). VCF-style: chr17-41758476-C-T. GRCh37 (hg19) VCF-style: chr17-39914728-C-T.
Other names: c.1696G>A, p.Ala566Thr (NM_001352773.2, NM_001352774.2, NM_001352775.2 and 3 more transcripts); short protein forms A566T.
Identifiers: ClinVar variation 179186 (VCV000179186.7), dbSNP rs727504695, ClinGen allele CA183904.
Genomic context (GRCh38, chr17:41,758,476, plus strand): 5'-TGGTGTTGAGCCGGAAGATCTCCATGCGGTTCATGGGGTCCCGGGCGAGGATGTGCAGTG[C>T]TCCGGTGCAGCCCTCCACAATCTCCTCCATCCTCACACCATCCTGTGTGAGAGGAGGCAG-3'
Protein context (NP_002221.1, residues 556-576): MEEIVEGCTG[Ala566Thr]LHILARDPMN